The following is an entry in ClinVar:

ClinVar aggregate classification (germline): Uncertain significance (1 of 4 stars; one submission).

Conditions:
Retinoblastoma (RB1). Also called: RETINOBLASTOMA, SOMATIC. Identifiers: Orphanet 790, MedGen C0035335, MeSH D012175, MONDO:0008380, OMIM 180200, HP:0009919. Disease mechanism: loss of function. Inheritance: Both sporadic and heritable forms are tested..

Submission:

Labcorp Genetics (formerly Invitae), Labcorp
Classification: Uncertain significance for Retinoblastoma. Last evaluated: 2021-11-15. Review status: criteria provided, single submitter. Criteria: Invitae Variant Classification Sherloc (09022015). Collection method: clinical testing. Allele origin: germline.
Comment: This sequence change falls in intron 1 of the RB1 gene. It does not directly change the encoded amino acid sequence of the RB1 protein. It affects a nucleotide within the consensus splice site. This variant is not present in population databases (gnomAD no frequency). This variant has not been reported in the literature in individuals affected with RB1-related conditions. Variants that disrupt the consensus splice site are a relatively common cause of aberrant splicing (PMID: 17576681, 9536098). Algorithms developed to predict the effect of sequence changes on RNA splicing suggest that this variant is not likely to affect RNA splicing. In summary, the available evidence is currently insufficient to determine the role of this variant in disease. Therefore, it has been classified as a Variant of Uncertain Significance.

Literature cited by the submitters: PubMed 17576681; PubMed 9536098.

NM_000321.3(RB1):c.137+6C>G

Gene: RB1 (RB transcriptional corepressor 1; plus strand). Cytogenetic location: 13q14.2.
Variant type: single nucleotide variant.
Coding change: c.137+6C>G on transcript NM_000321.3 (MANE Select); 6 bases into the intron after coding-DNA position 137, C replaced by G.
Molecular consequence: intron variant.
Genome position (GRCh38, 1-based): chr13:48,304,055, C>G. VCF-style: chr13-48304055-C-G. GRCh37 (hg19) VCF-style: chr13-48878191-C-G.
Identifiers: ClinVar variation 1473893 (VCV001473893.6), dbSNP rs1273298763, ClinGen allele CA2573149556.